The following is an entry in ClinVar:

NM_000552.5(VWF):c.4967C>T (p.Thr1656Met)

Gene: VWF (von Willebrand factor; minus strand). Cytogenetic location: 12p13.31.
Variant type: single nucleotide variant.
Coding change: c.4967C>T on transcript NM_000552.5 (MANE Select); coding-DNA position 4967, C replaced by T.
Protein change: p.Thr1656Met; replaces threonine 1656 with methionine.
Molecular consequence: missense variant.
Genome position (GRCh38, 1-based): chr12:6,018,451, G>A on the plus strand (C>T on the coding strand, the complement: VWF is on the minus strand). VCF-style: chr12-6018451-G-A. GRCh37 (hg19) VCF-style: chr12-6127617-G-A.
Other names: short protein forms T1656M.
Identifiers: ClinVar variation 3068898 (VCV003068898.2), dbSNP rs773544469, ClinGen allele CA6402431.
Genomic context (GRCh38, chr12:6,018,451, plus strand): 5'-TGCAGCCCCTCTCCGGAGCAGCACCTCTGCAGCACCAGGTCAGGAGCCTCTCGGGGGAGC[G>A]TCTCAAAGTCCTGGATGAGGATAGGGGCATTGGGCCAGCCAATCCTCTCCAGCTCCTGCA-3'
Protein context (NP_000543.3, residues 1646-1666): NAPILIQDFE[Thr1656Met]LPREAPDLVL

ClinVar aggregate classification (germline): Uncertain significance (1 of 4 stars; one submission).

Allele frequency attached by ClinVar (database versions not stated): ExAC 0.00001.

Submission:

Women's Health and Genetics/Laboratory Corporation of America, LabCorp
Classification: Uncertain significance. Last evaluated: 2024-02-06. Review status: criteria provided, single submitter. Criteria: LabCorp Variant Classification Summary - May 2015. Collection method: clinical testing. Allele origin: germline.
Comment: Variant summary: VWF c.4967C>T (p.Thr1656Met) results in a non-conservative amino acid change located in the von Willebrand factor, type A (IPR002035) of the encoded protein sequence. Four of five in-silico tools predict a benign effect of the variant on protein function. The variant allele was found at a frequency of 4e-06 in 250800 control chromosomes. The available data on variant occurrences in the general population are insufficient to allow any conclusion about variant significance. To our knowledge, no occurrence of c.4967C>T in individuals affected with Von Willebrand Disease and no experimental evidence demonstrating its impact on protein function have been reported. No submitters have cited clinical-significance assessments for this variant to ClinVar. Based on the evidence outlined above, the variant was classified as uncertain significance.